The following is an entry in ClinVar:

ClinVar aggregate classification (germline): Likely benign (1 of 4 stars; one submission).

Allele frequency attached by ClinVar (database versions not stated): gnomAD 0.00001; gnomAD exomes 0.00001; TOPMed 0.00001; 1000 Genomes Project 30x 0.00016; 1000 Genomes Project 0.00020.

Submission:

CeGaT Center for Human Genetics Tuebingen
Classification: Likely benign. Last evaluated: 2022-05-01. Review status: criteria provided, single submitter. Criteria: CeGaT Center For Human Genetics Tuebingen Variant Classification Criteria Version 2. Collection method: clinical testing. Allele origin: germline. Affected: yes. Observed: 1 variant allele.
Comment: WDR1: BP4, BP7

NM_017491.5(WDR1):c.702C>T (p.Asp234=)

Gene: WDR1 (WD repeat domain 1; minus strand). Cytogenetic location: 4p16.1.
Variant type: single nucleotide variant.
Coding change: c.702C>T on transcript NM_017491.5 (MANE Select); coding-DNA position 702, C replaced by T.
Protein change: p.Asp234=; no amino-acid change (aspartic acid 234 retained).
Molecular consequence: synonymous variant.
Genome position (GRCh38, 1-based): chr4:10,088,308, G>A on the plus strand (C>T on the coding strand, the complement: WDR1 is on the minus strand). VCF-style: chr4-10088308-G-A. GRCh37 (hg19) VCF-style: chr4-10089932-G-A.
Other names: c.282C>T, p.Asp94= (NM_005112.5).
Identifiers: ClinVar variation 2654668 (VCV002654668.24), dbSNP rs576932170, ClinGen allele CA92233109.